The following is an entry in ClinVar:

NM_001498.4(GCLC):c.1524G>A (p.Thr508=)

Genes: GCLC (glutamate-cysteine ligase catalytic subunit; minus strand), GCLC-AS1 (GCLC antisense RNA 1; plus strand). Cytogenetic location: 6p12.1.
Variant type: single nucleotide variant.
Coding change: c.1524G>A on transcript NM_001498.4 (MANE Select); coding-DNA position 1524, G replaced by A.
Protein change: p.Thr508=; no amino-acid change (threonine 508 retained).
Molecular consequence: synonymous variant.
Genome position (GRCh38, 1-based): chr6:53,500,304, C>T on the plus strand (G>A on the coding strand, the complement: GCLC is on the minus strand). VCF-style: chr6-53500304-C-T. GRCh37 (hg19) VCF-style: chr6-53365102-C-T.
Other names: p.Thr508=; c.1410G>A, p.Thr470= (NM_001197115.2).
Identifiers: ClinVar variation 732959 (VCV000732959.24), dbSNP rs17881359, ClinGen allele CA3860039.

ClinVar aggregate classification (germline): Benign/Likely benign. Review status: criteria provided, multiple submitters, no conflicts (2 of 4 stars). 4 submissions from 4 submitters: Benign (2); Likely benign (2). Last evaluated 2026-01-19.

Allele frequency attached by ClinVar (database versions not stated): gnomAD exomes 0.00062 and 0.00134; ExAC 0.00170; 1000 Genomes Project 30x 0.00500; 1000 Genomes Project 0.00559; ESP Exome Variant Server 0.00584; gnomAD 0.00615 and 0.00669; TOPMed 0.00664.
gnomAD v4.1: 1,859 of 1,614,180 alleles (0.12%); highest among the groups gnomAD compares: African/African-American, 2.2%; 11 homozygotes.

Submissions (4):

Labcorp Genetics (formerly Invitae), Labcorp
Classification: Benign. Last evaluated: 2026-01-19. Review status: criteria provided, single submitter. Criteria: Invitae Variant Classification Sherloc (09022015). Collection method: clinical testing. Allele origin: germline.

ARUP Laboratories, Molecular Genetics and Genomics, ARUP Laboratories
Classification: Benign. Last evaluated: 2025-03-07. Review status: criteria provided, single submitter. Criteria: ARUP Molecular Germline Variant Investigation Process 2024. Collection method: clinical testing. Allele origin: germline.

Mayo Clinic Laboratories, Mayo Clinic
Classification: Likely benign. Last evaluated: 2024-12-10. Review status: criteria provided, single submitter. Criteria: ACMG Guidelines, 2015. Collection method: clinical testing. Allele origin: germline. Observed: 25 variant alleles.
Comment: BS1, BS2, BP4, BP7

Breakthrough Genomics
Classification: Likely benign. Review status: criteria provided, single submitter. Criteria: ACMG Guidelines, 2015. Collection method: not provided. Allele origin: germline. Inheritance: Autosomal recessive inheritance. Affected: yes.